The following is an entry in ClinVar:

NM_001330260.2(SCN8A):c.2926C>T (p.Leu976Phe)

Gene: SCN8A (sodium voltage-gated channel alpha subunit 8; plus strand). Cytogenetic location: 12q13.13.
Variant type: single nucleotide variant.
Coding change: c.2926C>T on transcript NM_001330260.2 (MANE Select); coding-DNA position 2926, C replaced by T.
Protein change: p.Leu976Phe; replaces leucine 976 with phenylalanine.
Molecular consequence: missense variant.
Genome position (GRCh38, 1-based): chr12:51,768,889, C>T. VCF-style: chr12-51768889-C-T. GRCh37 (hg19) VCF-style: chr12-52162673-C-T.
Other names: c.2926C>T, p.Leu976Phe (NM_001177984.3, NM_001369788.1, NM_014191.4); short protein forms L976F.
Identifiers: ClinVar variation 932332 (VCV000932332.39), dbSNP rs1942877999, ClinGen allele CA384891728.

ClinVar aggregate classification (germline): Uncertain significance (1 of 4 stars; one submission).

Submission:

CeGaT Center for Human Genetics Tuebingen
Classification: Uncertain significance. Last evaluated: 2025-09-01. Review status: criteria provided, single submitter. Criteria: CeGaT Center For Human Genetics Tuebingen Variant Classification Criteria Version 2. Collection method: clinical testing. Allele origin: germline. Affected: yes. Observed: 1 variant allele.
Comment: SCN8A: PM2, PP2, PP3